The following is an entry in ClinVar:

NM_024753.5(TTC21B):c.308G>A (p.Arg103His)

Genes: TTC21B (tetratricopeptide repeat domain 21B; minus strand), TTC21B-AS1 (TTC21B antisense RNA 1; plus strand). Cytogenetic location: 2q24.3.
Variant type: single nucleotide variant.
Coding change: c.308G>A on transcript NM_024753.5 (MANE Select); coding-DNA position 308, G replaced by A.
Protein change: p.Arg103His; replaces arginine 103 with histidine.
Molecular consequence: missense variant.
Genome position (GRCh38, 1-based): chr2:165,945,645, C>T on the plus strand (G>A on the coding strand, the complement: TTC21B is on the minus strand). VCF-style: chr2-165945645-C-T. GRCh37 (hg19) VCF-style: chr2-166802155-C-T.
Other names: c.308G>A (NM_024753.4); short protein forms R103H.
Identifiers: ClinVar variation 1424614 (VCV001424614.9), dbSNP rs774327753, ClinGen allele CA1942482.

ClinVar aggregate classification (germline): Uncertain significance. Review status: criteria provided, multiple submitters, no conflicts (2 of 4 stars). 3 submissions from 3 submitters: Uncertain significance (3). Last evaluated 2026-02-18.

Conditions:
TTC21B-related disorder. Also called: TTC21B-related disorders; TTC21B-related condition.
Nephronophthisis. Also called: Juvenile Nephronophthisis. Identifiers: Orphanet 655, MedGen C0687120, MONDO:0019005, HP:0000090.
Jeune thoracic dystrophy. Also called: Jeune syndrome; Infantile thoracic dystrophy; Thoracic pelvic phalangeal dystrophy; Jeune's syndrome; Chondroectodermal dysplasia-like syndrome; Short-rib thoracic dysplasia. Identifiers: Orphanet 474, MedGen C0265275, MONDO:0018770.

Allele frequency attached by ClinVar (database versions not stated): gnomAD exomes 0.00002; TOPMed 0.00002; ExAC 0.00003; gnomAD 0.00003.
gnomAD v4.1: 40 of 1,613,578 alleles (0.0025%); highest among the groups gnomAD compares: East Asian, 0.016%; no homozygotes.

Submissions (3):

PreventionGenetics, part of Exact Sciences
Classification: Uncertain significance for TTC21B-related condition. Last evaluated: 2026-02-18. Review status: criteria provided, single submitter. Criteria: ACMG Guidelines, 2015. Collection method: clinical testing. Allele origin: germline.
Comment: The TTC21B c.308G>A variant is predicted to result in the amino acid substitution p.Arg103His. To our knowledge, this variant has not been reported in the literature. This variant is reported in 0.0062% of alleles in individuals of African descent in gnomAD. At this time, the clinical significance of this variant is uncertain due to the absence of conclusive functional and genetic evidence.

Blueprint Genetics
Classification: Uncertain significance. Last evaluated: 2023-10-26. Review status: criteria provided, single submitter. Criteria: ACMG Guidelines, 2015. Collection method: clinical testing. Allele origin: germline.

Labcorp Genetics (formerly Invitae), Labcorp
Classification: Uncertain significance for Jeune thoracic dystrophy; Nephronophthisis. Last evaluated: 2022-08-23. Review status: criteria provided, single submitter. Criteria: Invitae Variant Classification Sherloc (09022015). Collection method: clinical testing. Allele origin: germline.
Comment: This variant has not been reported in the literature in individuals affected with TTC21B-related conditions. This variant is present in population databases (rs774327753, gnomAD 0.007%). This sequence change replaces arginine, which is basic and polar, with histidine, which is basic and polar, at codon 103 of the TTC21B protein (p.Arg103His). ClinVar contains an entry for this variant (Variation ID: 1424614). In summary, the available evidence is currently insufficient to determine the role of this variant in disease. Therefore, it has been classified as a Variant of Uncertain Significance. Algorithms developed to predict the effect of missense changes on protein structure and function are either unavailable or do not agree on the potential impact of this missense change (SIFT: "Deleterious"; PolyPhen-2: "Probably Damaging"; Align-GVGD: "Class C0").